The following is an entry in ClinVar:

ClinVar aggregate classification (germline): Likely benign. Review status: criteria provided, multiple submitters, no conflicts (2 of 4 stars). 3 submissions from 3 submitters: Likely benign (3). Last evaluated 2025-10-27.

Conditions:
SNRNP200-related disorder. Also called: SNRNP200-related condition.

Allele frequency attached by ClinVar (database versions not stated): gnomAD 0.00001 and 0.00002; ExAC 0.00002; gnomAD exomes 0.00002 and 0.00003.

Submissions (3):

PreventionGenetics, part of Exact Sciences
Classification: Likely benign for SNRNP200-related condition. Last evaluated: 2025-10-27. Review status: criteria provided, single submitter. Criteria: ACMG Guidelines, 2015. Collection method: clinical testing. Allele origin: germline.
Comment: This variant is classified as likely benign based on ACMG/AMP sequence variant interpretation guidelines (Richards et al. 2015 PMID: 25741868, with internal and published modifications).

Labcorp Genetics (formerly Invitae), Labcorp
Classification: Likely benign. Last evaluated: 2025-08-18. Review status: criteria provided, single submitter. Criteria: Invitae Variant Classification Sherloc (09022015). Collection method: clinical testing. Allele origin: germline.

Blueprint Genetics
Classification: Likely benign. Last evaluated: 2024-06-27. Review status: criteria provided, single submitter. Criteria: ACMG Guidelines, 2015. Collection method: clinical testing. Allele origin: germline.

NM_014014.5(SNRNP200):c.6270G>A (p.Val2090=)

Gene: SNRNP200 (small nuclear ribonucleoprotein U5 subunit 200; minus strand). Cytogenetic location: 2q11.2.
Variant type: single nucleotide variant.
Coding change: c.6270G>A on transcript NM_014014.5 (MANE Select); coding-DNA position 6270, G replaced by A.
Protein change: p.Val2090=; no amino-acid change (valine 2090 retained).
Molecular consequence: synonymous variant.
Genome position (GRCh38, 1-based): chr2:96,275,153, C>T on the plus strand (G>A on the coding strand, the complement: SNRNP200 is on the minus strand). VCF-style: chr2-96275153-C-T. GRCh37 (hg19) VCF-style: chr2-96940891-C-T.
Other names: c.6270G>A (NM_014014.4).
Identifiers: ClinVar variation 1147683 (VCV001147683.11), dbSNP rs745848012, ClinGen allele CA1777729.